The following is an entry in ClinVar:

NM_000094.4(COL7A1):c.1367_1374del (p.Pro456fs)

Gene: COL7A1 (collagen type VII alpha 1 chain; minus strand). Cytogenetic location: 3p21.31.
Variant type: Deletion.
Coding change: c.1367_1374del on transcript NM_000094.4 (MANE Select); coding-DNA positions 1367 to 1374, 8 bases deleted (CACCGCAG; older notation c.1367_1374delCACCGCAG).
Protein change: p.Pro456fs; shifts the reading frame from proline 456.
Molecular consequence: frameshift variant.
Genome position (GRCh38, 1-based): chr3:48,591,806-48,591,813, CTGCGGTG deleted on the plus strand (CACCGCAG on the coding strand, the reverse complement: COL7A1 is on the minus strand). VCF-style (leftmost placement, unchanged base first): chr3-48591805-TCTGCGGTG-T. GRCh37 (hg19) VCF-style: chr3-48629238-TCTGCGGTG-T.
Other names: short protein forms P456fs.
Identifiers: ClinVar variation 5014553 (VCV005014553.1).
Genomic context (GRCh38, chr3:48,591,805, plus strand): 5'-CAGTGCCCGGCTGCAGCCCATCCAACTGGTAGCGGGTCACATCAGAGGGCAGTACCACCT[TCTGCGGTG>T]GCTCCAAGCCTGCAAGATAACAGGGTCAGACCAGCAGAGGCCATGCCCTGACCCTTGCCT-3'

ClinVar aggregate classification (germline): Pathogenic (1 of 4 stars; one submission).

Conditions:
Recessive dystrophic epidermolysis bullosa (RDEB). Also called: DYSTROPHIC EPIDERMOLYSIS BULLOSA, AUTOSOMAL RECESSIVE; EPIDERMOLYSIS BULLOSA DYSTROPHICA, HALLOPEAU-SIEMENS TYPE; Hallopeau-Siemens Disease; severe generalized recessive dystrophic epidermolysis bullosa; EPIDERMOLYSIS BULLOSA DYSTROPHICA, GENERALIZED SEVERE, AUTOSOMAL RECESSIVE; Epidermolysis Bullosa Distrophica Autosomal Recessive (RDEB). Identifiers: Orphanet 79408, Orphanet 79409, MedGen C0079474, MONDO:0009179, OMIM 226600.

Submission:

Myriad Genetics, Inc.
Classification: Pathogenic for Recessive dystrophic epidermolysis bullosa. Last evaluated: 2025-06-02. Review status: criteria provided, single submitter. Criteria: Myriad Autosomal Dominant, Autosomal Recessive and X-Linked Classification Criteria (2023). Collection method: clinical testing. Allele origin: unknown.
Comment: NM_000094.3(COL7A1):c.1367_1374del8(P456Qfs*7) is expected to be pathogenic in the context of dystrophic epidermolysis bullosa. This variant is predicted to lead to an abnormal or absent protein product due to the creation of a premature termination codon in COL7A1, a gene where loss-of-function variants are known to be pathogenic. Please note: this variant was assessed in the context of healthy population screening.